The following is an entry in ClinVar:

NM_000962.4(PTGS1):c.38TGCTCC[1] (p.Leu15_Leu16del)

Gene: PTGS1 (prostaglandin-endoperoxide synthase 1; plus strand). Cytogenetic location: 9q33.2.
Variant type: Microsatellite.
Coding change: c.38TGCTCC[1] on transcript NM_000962.4 (MANE Select); one copy of the 6-base unit TGCTCC starting at c.38; the reference has two copies in a row; one copy, 6 bases deleted; also written c.44_49del.
Protein change: p.Leu15_Leu16del.
Molecular consequence: inframe deletion. On other transcripts: 5 prime UTR variant (3).
Genome position (GRCh38, 1-based): chr9:122,371,222-122,371,227, TGCTCC deleted; deleting any 6 consecutive bases within chr9:122,371,213-122,371,227 gives the same sequence; the position shown is the placement nearest the transcript's 3' end. VCF-style (leftmost placement, unchanged base first): chr9-122371212-TTCCTGC-T. GRCh37 (hg19) VCF-style: chr9-125133491-TTCCTGC-T.
Other names: p.Leu15_Leu16del; c.38TGCTCC[1], p.Leu15_Leu16del (NM_001271164.2, NM_080591.3); c.-290TGCTCC[1] (NM_001271166.2); c.-261TGCTCC[1] (NM_001271367.2); c.-260TGCTCC[1] (NM_001271368.2); c.44_49del (NM_000962.4).
Identifiers: ClinVar variation 710745 (VCV000710745.14), dbSNP rs534752292, ClinGen allele CA5224632.

ClinVar aggregate classification (germline): Likely benign. Review status: criteria provided, multiple submitters, no conflicts (2 of 4 stars). 3 submissions from 3 submitters: Likely benign (3). Last evaluated 2025-06-01.

Submissions (3):

CeGaT Center for Human Genetics Tuebingen
Classification: Likely benign. Last evaluated: 2025-06-01. Review status: criteria provided, single submitter. Criteria: CeGaT Center For Human Genetics Tuebingen Variant Classification Criteria Version 2. Collection method: clinical testing. Allele origin: germline. Affected: yes. Observed: 1 variant allele.
Comment: PTGS1: PM4, BS2

Mayo Clinic Laboratories, Mayo Clinic
Classification: Likely benign. Last evaluated: 2024-04-17. Review status: criteria provided, single submitter. Criteria: ACMG Guidelines, 2015. Collection method: clinical testing. Allele origin: germline. Observed: 6 variant alleles.
Comment: BS1, BS2_supporting

Labcorp Genetics (formerly Invitae), Labcorp
Classification: Likely benign. Last evaluated: 2018-07-31. Review status: criteria provided, single submitter. Criteria: Invitae Variant Classification Sherloc (09022015). Collection method: clinical testing. Allele origin: germline.